The following is an entry in ClinVar:

NM_020778.5(ALPK3):c.4183T>A (p.Ser1395Thr)

Gene: ALPK3 (alpha kinase 3; plus strand). Cytogenetic location: 15q25.3.
Variant type: single nucleotide variant.
Coding change: c.4183T>A on transcript NM_020778.5 (MANE Select); coding-DNA position 4183, T replaced by A.
Protein change: p.Ser1395Thr; replaces serine 1395 with threonine.
Molecular consequence: missense variant.
Genome position (GRCh38, 1-based): chr15:84,862,688, T>A. VCF-style: chr15-84862688-T-A. GRCh37 (hg19) VCF-style: chr15-85405919-T-A.
Other names: c.4789T>A (NM_020778.4); short protein forms S1395T.
Identifiers: ClinVar variation 1902677 (VCV001902677.6), dbSNP rs763657846, ClinGen allele CA7709889.
Genomic context (GRCh38, chr15:84,862,688, plus strand): 5'-CCTTCAGTTGGAGAAGAGATTGAGATGACCCCTATGGTGTTTGCTAAGGGTCTGGCTGAC[T>A]CTGGCTGCTGGGGGGACAAGCTCTTTGGGCGACTGGTAAGCGAGGAGCTCCGAGGGGGTG-3'
Protein context (NP_065829.4, residues 1385-1405): PMVFAKGLAD[Ser1395Thr]GCWGDKLFGR

ClinVar aggregate classification (germline): Uncertain significance. Review status: criteria provided, multiple submitters, no conflicts (2 of 4 stars). 2 submissions from 2 submitters: Uncertain significance (2). Last evaluated 2025-10-21.

Conditions:
Cardiovascular phenotype. Identifiers: MedGen CN230736.

Allele frequency attached by ClinVar (database versions not stated): gnomAD exomes below 0.00001; ExAC 0.00001; TOPMed 0.00001.
gnomAD v4.1: 2 of 1,614,134 alleles (0.00012%); highest among the groups gnomAD compares: Non-Finnish European, 0.00017%; no homozygotes.

Submissions (2):

Labcorp Genetics (formerly Invitae), Labcorp
Classification: Uncertain significance. Last evaluated: 2025-10-21. Review status: criteria provided, single submitter. Criteria: Invitae Variant Classification Sherloc (09022015). Collection method: clinical testing. Allele origin: germline.
Comment: This sequence change replaces serine, which is neutral and polar, with threonine, which is neutral and polar, at codon 1597 of the ALPK3 protein (p.Ser1597Thr). This variant is not present in population databases (gnomAD no frequency). This variant has not been reported in the literature in individuals affected with ALPK3-related conditions. ClinVar contains an entry for this variant (Variation ID: 1902677). Invitae Evidence Modeling of protein sequence and biophysical properties (such as structural, functional, and spatial information, amino acid conservation, physicochemical variation, residue mobility, and thermodynamic stability) indicates that this missense variant is not expected to disrupt ALPK3 protein function with a negative predictive value of 80%. In summary, the available evidence is currently insufficient to determine the role of this variant in disease. Therefore, it has been classified as a Variant of Uncertain Significance.

Ambry Genetics
Classification: Uncertain significance for Cardiovascular phenotype. Last evaluated: 2024-04-15. Review status: criteria provided, single submitter. Criteria: Ambry Variant Classification Scheme 2023. Collection method: clinical testing. Allele origin: germline.